The following is an entry in ClinVar:

NM_007118.4(TRIO):c.7667T>C (p.Met2556Thr)

Gene: TRIO (trio Rho guanine nucleotide exchange factor; plus strand). Cytogenetic location: 5p15.2.
Variant type: single nucleotide variant.
Coding change: c.7667T>C on transcript NM_007118.4 (MANE Select); coding-DNA position 7667, T replaced by C.
Protein change: p.Met2556Thr; replaces methionine 2556 with threonine.
Molecular consequence: missense variant. On other transcripts: non-coding transcript variant (1).
Genome position (GRCh38, 1-based): chr5:14,492,601, T>C. VCF-style: chr5-14492601-T-C. GRCh37 (hg19) VCF-style: chr5-14492710-T-C.
Other names: short protein forms M2556T.
Identifiers: ClinVar variation 1254817 (VCV001254817.2), dbSNP rs1756569627, ClinGen allele CA359238197.

ClinVar aggregate classification (germline): Uncertain significance (1 of 4 stars; one submission).

Allele frequency attached by ClinVar (database versions not stated): TOPMed below 0.00001.
gnomAD v4.1: 1 of 1,614,206 alleles (0.000062%); highest among the groups gnomAD compares: South Asian, 0.0011%; no homozygotes.

Submission:

GeneDx
Classification: Uncertain significance. Last evaluated: 2021-08-10. Review status: criteria provided, single submitter. Criteria: GeneDx Variant Classification Process June 2021. Collection method: clinical testing. Allele origin: germline. Affected: yes.
Comment: Not observed at significant frequency in large population cohorts (Lek et al., 2016); In silico analysis supports that this missense variant has a deleterious effect on protein structure/function; Has not been previously published as pathogenic or benign to our knowledge